The following is an entry in ClinVar:

ClinVar aggregate classification (germline): Uncertain significance. Review status: criteria provided, multiple submitters, no conflicts (2 of 4 stars). 2 submissions from 2 submitters: Uncertain significance (2). Last evaluated 2025-11-29.

Conditions:
Familial cancer of breast. Also called: hereditary breast carcinoma; BREAST CANCER, FAMILIAL; Hereditary breast cancer. Identifiers: Orphanet 227535, MedGen C0346153, MONDO:0016419, OMIM 114480. Disease mechanism: loss of function.
Hereditary cancer-predisposing syndrome. Also called: Tumor predisposition; Hereditary neoplastic syndrome; Hereditary Cancer Syndrome; Neoplastic Syndromes, Hereditary. Identifiers: Orphanet 140162, MedGen C0027672, MeSH D009386, MONDO:0015356.

Allele frequency attached by ClinVar (database versions not stated): gnomAD exomes below 0.00001.
gnomAD v4.1: 1 of 1,595,894 alleles (0.000063%); highest among the groups gnomAD compares: Non-Finnish European, 0.000085%; no homozygotes.

Submissions (2):

Ambry Genetics
Classification: Uncertain significance for Hereditary cancer-predisposing syndrome. Last evaluated: 2025-11-29. Review status: criteria provided, single submitter. Criteria: Ambry Variant Classification Scheme 2023. Collection method: clinical testing. Allele origin: germline.
Comment: The p.A480G variant (also known as c.1439C>G), located in coding exon 12 of the CHEK2 gene, results from a C to G substitution at nucleotide position 1439. The alanine at codon 480 is replaced by glycine, an amino acid with similar properties. This amino acid position is highly conserved in available vertebrate species. In addition, the in silico prediction for this alteration is inconclusive. Since supporting evidence is limited at this time, the clinical significance of this alteration remains unclear.

Labcorp Genetics (formerly Invitae), Labcorp
Classification: Uncertain significance for Familial cancer of breast. Last evaluated: 2022-03-11. Review status: criteria provided, single submitter. Criteria: Invitae Variant Classification Sherloc (09022015). Collection method: clinical testing. Allele origin: germline.
Comment: In summary, the available evidence is currently insufficient to determine the role of this variant in disease. Therefore, it has been classified as a Variant of Uncertain Significance. Algorithms developed to predict the effect of missense changes on protein structure and function are either unavailable or do not agree on the potential impact of this missense change (SIFT: "Deleterious"; PolyPhen-2: "Probably Damaging"; Align-GVGD: "Class C0"). ClinVar contains an entry for this variant (Variation ID: 578364). This variant has not been reported in the literature in individuals affected with CHEK2-related conditions. This variant is not present in population databases (gnomAD no frequency). This sequence change replaces alanine, which is neutral and non-polar, with glycine, which is neutral and non-polar, at codon 480 of the CHEK2 protein (p.Ala480Gly).

NM_007194.4(CHEK2):c.1439C>G (p.Ala480Gly)

Gene: CHEK2 (checkpoint kinase 2; minus strand). Cytogenetic location: 22q12.1.
Variant type: single nucleotide variant.
Coding change: c.1439C>G on transcript NM_007194.4 (MANE Select); coding-DNA position 1439, C replaced by G.
Protein change: p.Ala480Gly; replaces alanine 480 with glycine.
Molecular consequence: missense variant.
Genome position (GRCh38, 1-based): chr22:28,694,054, G>C on the plus strand (C>G on the coding strand, the complement: CHEK2 is on the minus strand). VCF-style: chr22-28694054-G-C. GRCh37 (hg19) VCF-style: chr22-29090042-G-C.
Other names: c.1568C>G, p.Ala523Gly (NM_001005735.3); c.776C>G, p.Ala259Gly (NM_001257387.3); c.1238C>G, p.Ala413Gly (NM_001349956.3); c.1352C>G, p.Ala451Gly (NM_145862.3); short protein forms A480G, A259G, A413G, A451G, A523G.
Identifiers: ClinVar variation 578364 (VCV000578364.13), dbSNP rs786203303, ClinGen allele CA411094103.